The following is an entry in ClinVar:

ClinVar aggregate classification (germline): Pathogenic/Likely pathogenic. Review status: criteria provided, multiple submitters, no conflicts (2 of 4 stars). 3 submissions from 3 submitters: Pathogenic (2); Likely pathogenic (1). Last evaluated 2025-06-18.

Conditions:
Progressive sclerosing poliodystrophy (MTDPS4A). Also called: ALPERS PROGRESSIVE INFANTILE POLIODYSTROPHY; NEURONAL DEGENERATION OF CHILDHOOD WITH LIVER DISEASE, PROGRESSIVE; Alpers Syndrome; ALPERS DIFFUSE DEGENERATION OF CEREBRAL GRAY MATTER WITH HEPATIC CIRRHOSIS; Alpers-Huttenlocher Syndrome; Alpers-Huttenlocher Syndrome (AHS). Identifiers: Orphanet 726, MedGen C0205710, MONDO:0008758, OMIM 203700.
POLG-related disorder. Also called: POLG-related condition; POLG-Related Disorders; POLG-Related Spectrum Disorders. Identifiers: MedGen C4763519.

Submissions (3):

Mayo Clinic Laboratories, Mayo Clinic
Classification: Likely pathogenic. Last evaluated: 2025-06-18. Review status: criteria provided, single submitter. Criteria: ACMG Guidelines, 2015. Collection method: clinical testing. Allele origin: germline. Observed: 1 variant allele.
Comment: PM2_supporting, PVS1

Myriad Genetics, Inc.
Classification: Pathogenic for POLG-related disorder. Last evaluated: 2025-05-07. Review status: criteria provided, single submitter. Criteria: Myriad Autosomal Dominant, Autosomal Recessive and X-Linked Classification Criteria (2023). Collection method: clinical testing. Allele origin: unknown.
Comment: NM_002693.2(POLG):c.1185C>G(Y395*) is expected to be pathogenic in the context of POLG-related disorders. This variant is predicted to lead to an abnormal or absent protein product due to the creation of a premature termination codon in POLG, a gene where loss-of-function variants are known to be pathogenic. Please note: this variant was assessed in the context of healthy population screening.

Labcorp Genetics (formerly Invitae), Labcorp
Classification: Pathogenic for Progressive sclerosing poliodystrophy. Last evaluated: 2023-10-23. Review status: criteria provided, single submitter. Criteria: Invitae Variant Classification Sherloc (09022015). Collection method: clinical testing. Allele origin: germline.
Comment: This sequence change creates a premature translational stop signal (p.Tyr395*) in the POLG gene. It is expected to result in an absent or disrupted protein product. Loss-of-function variants in POLG are known to be pathogenic (PMID: 18546365). This variant is not present in population databases (gnomAD no frequency). This variant has not been reported in the literature in individuals affected with POLG-related conditions. Algorithms developed to predict the effect of sequence changes on RNA splicing suggest that this variant may disrupt the consensus splice site. For these reasons, this variant has been classified as Pathogenic.

Literature cited by the submitters: PubMed 18546365 (cited by Labcorp Genetics (formerly Invitae), Labcorp).

NM_002693.3(POLG):c.1185C>G (p.Tyr395Ter)

Gene: POLG (DNA polymerase gamma, catalytic subunit; minus strand). Cytogenetic location: 15q26.1.
Variant type: single nucleotide variant.
Coding change: c.1185C>G on transcript NM_002693.3 (MANE Select); coding-DNA position 1185, C replaced by G.
Protein change: p.Tyr395Ter; replaces tyrosine 395 with a stop codon.
Molecular consequence: nonsense.
Genome position (GRCh38, 1-based): chr15:89,328,521, G>C on the plus strand (C>G on the coding strand, the complement: POLG is on the minus strand). VCF-style: chr15-89328521-G-C. GRCh37 (hg19) VCF-style: chr15-89871752-G-C.
Other names: p.Tyr395*; c.1185C>G, p.Tyr395Ter (NM_001126131.2); short protein forms Y395*.
Identifiers: ClinVar variation 2783282 (VCV002783282.5), dbSNP rs2509260376, ClinGen allele CA393764258.
Genomic context (GRCh38, chr15:89,328,521, plus strand): 5'-CAAGAAGAGCGGTAGCTGCTGCTGGAAAACCTCATGGGTGGCCCACACGTCCTGGGCACA[G>C]TACTGCATCAGGTCCTGGCACAAGGTGACAGGAAGGCGCAAGGTGGGCAGCCATCCCATT-3'